The following is an entry in ClinVar:

NM_004333.6(BRAF):c.567T>C (p.Gly189=)

Gene: BRAF (B-Raf proto-oncogene, serine/threonine kinase; minus strand). Cytogenetic location: 7q34.
Variant type: single nucleotide variant.
Coding change: c.567T>C on transcript NM_004333.6 (MANE Select); coding-DNA position 567, T replaced by C.
Protein change: p.Gly189=; no amino-acid change (glycine 189 retained).
Molecular consequence: synonymous variant.
Genome position (GRCh38, 1-based): chr7:140,808,933, A>G on the plus strand (T>C on the coding strand, the complement: BRAF is on the minus strand). VCF-style: chr7-140808933-A-G. GRCh37 (hg19) VCF-style: chr7-140508733-A-G.
Other names: c.567T>C, p.Gly189= (NM_001354609.2, NM_001374244.1, NM_001374258.1 and 5 more transcripts); c.465T>C, p.Gly155= (NM_001378470.1); c.411T>C, p.Gly137= (NM_001378472.1, NM_001378473.1); c.303T>C, p.Gly101= (NM_001378475.1).
Identifiers: ClinVar variation 390842 (VCV000390842.5), dbSNP rs1057523903, ClinGen allele CA16605137.
Genomic context (GRCh38, chr7:140,808,933, plus strand): 5'-CGTCACATACAAACCATACCCATCCTGAATTCTGTAAACAGCACAGCACTCTGGGATTAG[A>G]CCTCTCATCATCAGTGCTTTCTTTAGACTGTCTCGGACTGTAACTCCACACCTTGCAGGT-3'
Protein context (NP_004324.2, residues 179-199): DSLKKALMMR[Gly189=]LIPECCAVYR

ClinVar aggregate classification (germline): Likely benign. Review status: criteria provided, multiple submitters, no conflicts (2 of 4 stars). 2 submissions from 2 submitters: Likely benign (2). Last evaluated 2022-06-21.

Conditions:
RASopathy. Also called: Noonan spectrum disorder; rasopathies. Identifiers: Orphanet 536391, MedGen C5555857, MONDO:0021060.

Allele frequency attached by ClinVar (database versions not stated): gnomAD 0.00001; TOPMed 0.00001.
gnomAD v4.1: 2 of 1,612,650 alleles (0.00012%); highest among the groups gnomAD compares: African/African-American, 0.0027%; no homozygotes.

Submissions (2):

Labcorp Genetics (formerly Invitae), Labcorp
Classification: Likely benign for RASopathy. Last evaluated: 2022-06-21. Review status: criteria provided, single submitter. Criteria: Invitae Variant Classification Sherloc (09022015). Collection method: clinical testing. Allele origin: germline.

GeneDx
Classification: Likely benign. Last evaluated: 2018-04-03. Review status: criteria provided, single submitter. Criteria: GeneDx Variant Classification (06012015). Collection method: clinical testing. Allele origin: germline. Affected: yes.
Comment: This variant is considered likely benign or benign based on one or more of the following criteria: it is a conservative change, it occurs at a poorly conserved position in the protein, it is predicted to be benign by multiple in silico algorithms, and/or has population frequency not consistent with disease.